The following is an entry in ClinVar:

NM_145868.2(ANXA11):c.387G>A (p.Pro129=)

Gene: ANXA11 (annexin A11; minus strand). Cytogenetic location: 10q22.3.
Variant type: single nucleotide variant.
Coding change: c.387G>A on transcript NM_145868.2 (MANE Select); coding-DNA position 387, G replaced by A.
Protein change: p.Pro129=; no amino-acid change (proline 129 retained).
Molecular consequence: synonymous variant.
Genome position (GRCh38, 1-based): chr10:80,169,143, C>T on the plus strand (G>A on the coding strand, the complement: ANXA11 is on the minus strand). VCF-style: chr10-80169143-C-T. GRCh37 (hg19) VCF-style: chr10-81928899-C-T.
Other names: c.387G>A, p.Pro129= (NM_001157.3, NM_001278407.2, NM_001278408.2 and 1 more transcripts); c.288G>A, p.Pro96= (NM_001278409.2).
Identifiers: ClinVar variation 3344723 (VCV003344723.3).
Genomic context (GRCh38, chr10:80,169,143, plus strand): 5'-TGGTGGCTGCCCAGGGTAGGCCCCTGGGGGCTGCTGTCCGGGGGGTGGCATGGGCTGGCC[C>T]GGCACAGGGGCCCCTGGGTATGGCGGATATGAGGGCATCCTGGAGGGTGGGTTTCCTCCT-3'
Protein context (NP_665875.1, residues 119-139): SYPPYPGAPV[Pro129=]GQPMPPPGQQ

ClinVar aggregate classification (germline): Likely benign. Review status: criteria provided, single submitter (1 of 4 stars). 2 submissions from 2 submitters: Likely benign (1). 1 of the submissions does not count toward it. Last evaluated 2025-08-21.

Conditions:
ANXA11-related disorder. Also called: ANXA11-related condition.

Submissions (2):

Labcorp Genetics (formerly Invitae), Labcorp
Classification: Likely benign. Last evaluated: 2025-08-21. Review status: criteria provided, single submitter. Criteria: Invitae Variant Classification Sherloc (09022015). Collection method: clinical testing. Allele origin: germline.

PreventionGenetics, part of Exact Sciences
Classification: Likely benign for ANXA11-related condition. Last evaluated: 2023-07-28. Review status: no assertion criteria provided. Collection method: clinical testing. Allele origin: germline. Not counted in ClinVar's aggregate classification.
Comment: This variant is classified as likely benign based on ACMG/AMP sequence variant interpretation guidelines (Richards et al. 2015 PMID: 25741868, with internal and published modifications).